The following is an entry in ClinVar:

ClinVar aggregate classification (germline): Conflicting classifications of pathogenicity. Review status: criteria provided, conflicting classifications (1 of 4 stars). 8 submissions from 8 submitters: Uncertain significance (5); Benign (1). 2 of the submissions do not count toward it. Last evaluated 2026-08-20.

Conditions:
USH2A-related disorder. Also called: USH2A-related disorders; USH2A-related condition. Identifiers: MedGen CN239332.
Usher syndrome type 2A. Also called: RETINAL DISEASE IN USHER SYNDROME TYPE IIA, MODIFIER OF; USHER SYNDROME, TYPE IIA. Identifiers: Orphanet 231178, Orphanet 886, MedGen C1848634, MONDO:0010169, OMIM 276901.
Retinitis pigmentosa 39 (RP39). Identifiers: Orphanet 791, MedGen C3151138, MONDO:0013436, OMIM 613809.
Retinitis pigmentosa (RP). Identifiers: Orphanet 791, MedGen C0035334, MeSH D012174, MONDO:0019200, OMIM 268000. Inheritance: Autosomal dominant, autosomal recessive and X linked inheritance.

Allele frequency attached by ClinVar (database versions not stated): TOPMed 0.00001; gnomAD 0.00006; gnomAD exomes 0.00029; ExAC 0.00035; 1000 Genomes Project 30x 0.00078; 1000 Genomes Project 0.00100.
gnomAD v4.1: 203 of 1,614,024 alleles (0.013%); highest among the groups gnomAD compares: South Asian, 0.19%; 2 homozygotes.

Submissions (8):

PreventionGenetics, part of Exact Sciences
Classification: Uncertain significance for USH2A-related condition. Last evaluated: 2026-08-20. Review status: criteria provided, single submitter. Criteria: ACMG Guidelines, 2015. Collection method: clinical testing. Allele origin: germline.
Comment: The USH2A c.8431C>A variant is predicted to result in the amino acid substitution p.Pro2811Thr. This variant has been reported with a second USH2A variant in individuals with USH2A-related disorders (see, for example, Wang et al. 2017. PubMed ID: 28838317; Table S4, Sun et al. 2018. PubMed ID: 29625443; Table S2, Xiao et al. 2021. PubMed ID: 33598457). However, it has also been reported to not segregate with disease in family members (Table S2, Park et al. 2020. PubMed ID: 33269433), and the affected siblings from one of these families carried a homozygous variant in TMIE (Park et al. 2020. PubMed ID: 33269433). Another individual with this variant also carried two other USH2A variants (Table S2, Carss et al. 2017. PubMed ID: 28041643). This variant is reported in 0.22% of alleles in individuals of South Asian descent in gnomAD, including two homozygous individuals, which may be too frequent to be a primary cause of disease. Although we suspect that this variant may be benign, at this time, the clinical significance of this variant is uncertain due to the absence of conclusive functional and genetic evidence.

Labcorp Genetics (formerly Invitae), Labcorp
Classification: Benign. Last evaluated: 2025-12-22. Review status: criteria provided, single submitter. Criteria: Invitae Variant Classification Sherloc (09022015). Collection method: clinical testing. Allele origin: germline.

Myriad Genetics, Inc.
Classification: Uncertain significance for USH2A-related disorder. Last evaluated: 2025-07-25. Review status: criteria provided, single submitter. Criteria: Myriad Autosomal Dominant, Autosomal Recessive and X-Linked Classification Criteria (2023). Collection method: clinical testing. Allele origin: unknown.
Comment: NM_206933.2(USH2A):c.8431C>A(P2811T) is a missense variant classified as a variant of uncertain significance in the context of USH2A-related disorders. P2811T has been observed in cases with relevant disease (PMID: 33598457, 28838317, 28041643, 29625443, 38219857, 28281779, 35266249). Relevant functional assessments of this variant are not available in the literature. P2811T has been observed in referenced population frequency databases. In summary, there is insufficient evidence to classify NM_206933.2(USH2A):c.8431C>A(P2811T) as pathogenic or benign. Please note: this variant was assessed in the context of healthy population screening.

Blueprint Genetics
Classification: Uncertain significance. Last evaluated: 2024-08-19. Review status: criteria provided, single submitter. Criteria: ACMG Guidelines, 2015. Collection method: clinical testing. Allele origin: germline.

Women's Health and Genetics/Laboratory Corporation of America, LabCorp
Classification: Uncertain significance. Last evaluated: 2024-01-04. Review status: criteria provided, single submitter. Criteria: LabCorp Variant Classification Summary - May 2015. Collection method: clinical testing. Allele origin: germline.
Comment: Variant summary: USH2A c.8431C>A (p.Pro2811Thr) results in a non-conservative amino acid change located in the Fibronectin type III domain (IPR003961) of the encoded protein sequence. Four of five in-silico tools predict a damaging effect of the variant on protein function. The variant allele was found at a frequency of 0.00029 in 251274 control chromosomes, predominantly at a frequency of 0.0022 within the South Asian subpopulation in the gnomAD database, including 2 homozygotes. This frequency is not significantly higher than estimated for a pathogenic variant in USH2A causing Usher Syndrome (0.00029 vs 0.011), allowing no conclusion about variant significance. c.8431C>A has been reported in the literature in individuals affected with Usher Syndrome, reported as a VUS with unknown genotype (e.g. Hufnagel_2022) or as a compound heterozygous genotype, without evidence of causality in a single-gene testing setting (e.g. Sun_2018), in individuals affected with retinitis pigmentosa as a compound heterozygous genotype in settings of multi-gene panel testing (e.g. Wang_2017a) or WGS or WES testing with two additional USH2A variants reported (e.g. Carss_2017), or in compound heterozygous individuals affected with hearing loss with the second variant classified as benign (e.g.Wang_2017b) or other variants present in multiple genes (e.g. Park_2020). These data do not allow any conclusion about variant significance. To our knowledge, no experimental evidence demonstrating an impact on protein function has been reported. The following publications have been ascertained in the context of this evaluation (PMID: 28041643, 35266249, 33269433, 29625443, 28838317, 28281779). ClinVar contains an entry for this variant (Variation ID: 48601). Based on the evidence outlined above, the variant was classified as VUS - possibly benign.

Laboratory for Molecular Medicine, Mass General Brigham Personalized Medicine
Classification: Uncertain significance. Last evaluated: 2018-08-21. Review status: criteria provided, single submitter. Criteria: LMM Criteria. Collection method: clinical testing. Allele origin: germline. Observed: 7 variant alleles.
Comment: Variant classified as Uncertain Significance - Favor Benign. The p.Pro2811Thr va riant in USH2A has been reported by our laboratory in a family with hearing loss , however, it has been identified in 0.24% (39/16508) of South Asian chromosomes , including 2 homozygotes, by the Exome Aggregation Consortium (ExAC; dbSNP rs111033529). Computational prediction tools and con servation analysis suggest that this variant may impact the protein, though this information is not predictive enough to determine pathogenicity. In summary, wh ile the clinical significance of the p.Pro2811Thr variant is uncertain, the freq uency data suggests it is more likely to be benign.

Counsyl
Classification: Uncertain significance for Usher syndrome type 2A; Retinitis pigmentosa 39. Last evaluated: 2017-10-04. Review status: no assertion criteria provided. Collection method: clinical testing. Allele origin: unknown. Not counted in ClinVar's aggregate classification.

NIHR Bioresource Rare Diseases, University of Cambridge
Classification: Uncertain significance for Retinitis pigmentosa. Last evaluated: 2015-01-01. Review status: no assertion criteria provided. Collection method: research. Allele origin: unknown. Affected: yes. Observed: 1 variant allele. Not counted in ClinVar's aggregate classification.

Literature cited by the submitters: PubMed 28041643 (cited by 5 submitters); PubMed 28281779 (cited by 3 submitters); PubMed 28838317 (cited by 4 submitters); PubMed 29625443 (cited by Myriad Genetics, Inc. and Women's Health and Genetics/Laboratory Corporation of America, LabCorp); PubMed 33598457 (cited by Myriad Genetics, Inc.); PubMed 35266249 (cited by Myriad Genetics, Inc. and Women's Health and Genetics/Laboratory Corporation of America, LabCorp); PubMed 38219857 (cited by Myriad Genetics, Inc.); PubMed 33269433 (cited by Women's Health and Genetics/Laboratory Corporation of America, LabCorp); PubMed 24944099 (cited by Counsyl).

NM_206933.4(USH2A):c.8431C>A (p.Pro2811Thr)

Gene: USH2A (usherin; minus strand). Cytogenetic location: 1q41.
Variant type: single nucleotide variant.
Coding change: c.8431C>A on transcript NM_206933.4 (MANE Select); coding-DNA position 8431, C replaced by A.
Protein change: p.Pro2811Thr; replaces proline 2811 with threonine.
Molecular consequence: missense variant.
Genome position (GRCh38, 1-based): chr1:215,878,891, G>T on the plus strand (C>A on the coding strand, the complement: USH2A is on the minus strand). VCF-style: chr1-215878891-G-T. GRCh37 (hg19) VCF-style: chr1-216052233-G-T.
Other names: short protein forms P2811T.
Identifiers: ClinVar variation 48601 (VCV000048601.22), dbSNP rs111033529, ClinGen allele CA262120.